The following is an entry in ClinVar:

NM_001129.5(AEBP1):c.1688G>A (p.Arg563Gln)

Gene: AEBP1 (AE binding protein 1; plus strand). Cytogenetic location: 7p13.
Variant type: single nucleotide variant.
Coding change: c.1688G>A on transcript NM_001129.5 (MANE Select); coding-DNA position 1688, G replaced by A.
Protein change: p.Arg563Gln; replaces arginine 563 with glutamine.
Molecular consequence: missense variant.
Genome position (GRCh38, 1-based): chr7:44,111,211, G>A. VCF-style: chr7-44111211-G-A. GRCh37 (hg19) VCF-style: chr7-44150810-G-A.
Other names: short protein forms R563Q.
Identifiers: ClinVar variation 4853000 (VCV004853000.1).

ClinVar aggregate classification (germline): Uncertain significance (1 of 4 stars; one submission).

gnomAD v4.1: 28 of 1,515,568 alleles (0.0018%); highest among the groups gnomAD compares: East Asian, 0.0023%; no homozygotes.

Submission:

Women's Health and Genetics/Laboratory Corporation of America, LabCorp
Classification: Uncertain significance. Last evaluated: 2026-05-18. Review status: criteria provided, single submitter. Criteria: LabCorp Variant Classification Summary - May 2015. Collection method: clinical testing. Allele origin: germline.
Comment: Variant summary: AEBP1 c.1688G>A (p.Arg563Gln) results in a conservative amino acid change in the encoded protein sequence. Algorithms developed to predict the effect of missense changes on protein structure and function are either unavailable or do not agree on the potential impact of this missense change. The frequency data for this variant in gnomAD is considered unreliable, as metrics indicate poor data quality at this position. To our knowledge, no occurrence of c.1688G>A in individuals affected with AEBP1-related conditions and no experimental evidence demonstrating its impact on protein function have been reported. No submitters have cited clinical-significance assessments for this variant to ClinVar. Based on the evidence outlined above, the variant was classified as uncertain significance.